The following is an entry in ClinVar:

ClinVar aggregate classification (germline): Uncertain significance (1 of 4 stars; one submission).

Conditions:
Familial episodic pain syndrome with predominantly lower limb involvement. Also called: Episodic pain syndrome, familial, 3. Identifiers: Orphanet 391384, Orphanet 391392, MedGen C3809899, MONDO:0014247, OMIM 615552.
Hereditary sensory and autonomic neuropathy type 7. Also called: HSAN VII; Neuropathy, hereditary sensory and autonomic, type VII. Identifiers: Orphanet 391397, MedGen C3809882, MONDO:0014244, OMIM 615548.

Submission:

Labcorp Genetics (formerly Invitae), Labcorp
Classification: Uncertain significance for Familial episodic pain syndrome with predominantly lower limb involvement; Hereditary sensory and autonomic neuropathy type 7. Last evaluated: 2022-02-10. Review status: criteria provided, single submitter. Criteria: Invitae Variant Classification Sherloc (09022015). Collection method: clinical testing. Allele origin: germline.
Comment: This sequence change replaces asparagine, which is neutral and polar, with isoleucine, which is neutral and non-polar, at codon 116 of the SCN11A protein (p.Asn116Ile). This variant is not present in population databases (gnomAD no frequency). This variant has not been reported in the literature in individuals affected with SCN11A-related conditions. ClinVar contains an entry for this variant (Variation ID: 942809). In summary, the available evidence is currently insufficient to determine the role of this variant in disease. Therefore, it has been classified as a Variant of Uncertain Significance. Algorithms developed to predict the effect of missense changes on protein structure and function (SIFT, PolyPhen-2, Align-GVGD) all suggest that this variant is likely to be disruptive.

NM_001349253.2(SCN11A):c.347A>T (p.Asn116Ile)

Gene: SCN11A (sodium voltage-gated channel alpha subunit 11; minus strand). Cytogenetic location: 3p22.2.
Variant type: single nucleotide variant.
Coding change: c.347A>T on transcript NM_001349253.2 (MANE Select); coding-DNA position 347, A replaced by T.
Protein change: p.Asn116Ile; replaces asparagine 116 with isoleucine.
Molecular consequence: missense variant.
Genome position (GRCh38, 1-based): chr3:38,946,828, T>A on the plus strand (A>T on the coding strand, the complement: SCN11A is on the minus strand). VCF-style: chr3-38946828-T-A. GRCh37 (hg19) VCF-style: chr3-38988319-T-A.
Other names: c.347A>T, p.Asn116Ile (NM_014139.3); short protein forms N116I.
Identifiers: ClinVar variation 942809 (VCV000942809.6), dbSNP rs551315107, ClinGen allele CA352175563.